The following is an entry in ClinVar:

NM_001873.4(CPE):c.530T>A (p.Val177Glu)

Gene: CPE (carboxypeptidase E; plus strand). Cytogenetic location: 4q32.3.
Variant type: single nucleotide variant.
Coding change: c.530T>A on transcript NM_001873.4 (MANE Select); coding-DNA position 530, T replaced by A.
Protein change: p.Val177Glu; replaces valine 177 with glutamic acid.
Molecular consequence: missense variant.
Genome position (GRCh38, 1-based): chr4:165,467,713, T>A. VCF-style: chr4-165467713-T-A. GRCh37 (hg19) VCF-style: chr4-166388865-T-A.
Other names: short protein forms V177E.
Identifiers: ClinVar variation 4993426 (VCV004993426.1).

ClinVar aggregate classification (germline): Uncertain significance (1 of 4 stars; one submission).

Conditions:
CPE-related disorder. Also called: CPE-related condition.

Submission:

PreventionGenetics, part of Exact Sciences
Classification: Uncertain significance for CPE-related condition. Last evaluated: 2026-09-18. Review status: criteria provided, single submitter. Criteria: ACMG Guidelines, 2015. Collection method: clinical testing. Allele origin: germline.
Comment: The CPE c.530T>A variant is predicted to result in the amino acid substitution p.Val177Glu. To our knowledge, this variant has not been reported in the literature or in a large population database (gnomAD), indicating this variant is rare. At this time, the clinical significance of this variant is uncertain due to the absence of conclusive functional and genetic evidence.